The following is an entry in ClinVar:

ClinVar aggregate classification (germline): Benign/Likely benign. Review status: criteria provided, multiple submitters, no conflicts (2 of 4 stars). 7 submissions from 7 submitters: Benign (3); Likely benign (2). 2 of the submissions do not count toward it. Last evaluated 2025-11-25.

Conditions:
Cardiovascular phenotype. Identifiers: MedGen CN230736.
Dilated cardiomyopathy 1JJ (CMD1JJ). Identifiers: Orphanet 154, MedGen C3808935, MONDO:0014095, OMIM 615235.

Allele frequency attached by ClinVar (database versions not stated): gnomAD 0.00014 and 0.00021; gnomAD exomes 0.00023 and 0.00049; TOPMed 0.00032; ExAC 0.00044; 1000 Genomes Project 0.00060; 1000 Genomes Project 30x 0.00078.
gnomAD v4.1: 363 of 1,614,140 alleles (0.022%); highest among the groups gnomAD compares: East Asian, 0.74%; 1 homozygote.

Submissions (7):

Labcorp Genetics (formerly Invitae), Labcorp
Classification: Benign for Dilated cardiomyopathy 1JJ. Last evaluated: 2025-11-25. Review status: criteria provided, single submitter. Criteria: Invitae Variant Classification Sherloc (09022015). Collection method: clinical testing. Allele origin: germline.

Blueprint Genetics
Classification: Benign. Last evaluated: 2024-06-17. Review status: criteria provided, single submitter. Criteria: ACMG Guidelines, 2015. Collection method: clinical testing. Allele origin: germline.

Ambry Genetics
Classification: Likely benign for Cardiovascular phenotype. Last evaluated: 2020-02-24. Review status: criteria provided, single submitter. Criteria: Ambry Variant Classification Scheme 2023. Collection method: clinical testing. Allele origin: germline.

GeneDx
Classification: Likely benign. Last evaluated: 2019-06-27. Review status: criteria provided, single submitter. Criteria: GeneDx Variant Classification Process June 2021. Collection method: clinical testing. Allele origin: germline. Affected: yes.

Laboratory for Molecular Medicine, Mass General Brigham Personalized Medicine
Classification: Benign. Last evaluated: 2012-04-05. Review status: criteria provided, single submitter. Criteria: LMM Criteria. Collection method: clinical testing. Allele origin: germline. Observed: 1 variant allele.
Comment: Leu435Leu in Exon 11 of LAMA4: This variant is not expected to have clinical sig nificance because it does not alter an amino acid residue, is not located within the splice consensus sequence and has been identified in 1.0% (15/1500) of chro mosomes from a population in the dbSNP database (jects/SNP; rs3752580).

Clinical Genetics DNA and cytogenetics Diagnostics Lab, Erasmus MC, Erasmus Medical Center
Classification: Likely benign. Review status: no assertion criteria provided. Collection method: clinical testing. Allele origin: germline. Affected: yes. Study: VKGL Data-share Consensus. Not counted in ClinVar's aggregate classification.

Clinical Genetics, Academic Medical Center
Classification: Benign. Review status: no assertion criteria provided. Collection method: clinical testing. Allele origin: germline. Affected: yes. Study: VKGL Data-share Consensus. Not counted in ClinVar's aggregate classification.

NM_001105206.3(LAMA4):c.1326C>T (p.Leu442=)

Gene: LAMA4 (laminin subunit alpha 4; minus strand). Cytogenetic location: 6q21.
Variant type: single nucleotide variant.
Coding change: c.1326C>T on transcript NM_001105206.3 (MANE Select); coding-DNA position 1326, C replaced by T.
Protein change: p.Leu442=; no amino-acid change (leucine 442 retained).
Molecular consequence: synonymous variant.
Genome position (GRCh38, 1-based): chr6:112,175,344, G>A on the plus strand (C>T on the coding strand, the complement: LAMA4 is on the minus strand). VCF-style: chr6-112175344-G-A. GRCh37 (hg19) VCF-style: chr6-112496546-G-A.
Other names: c.1305C>T, p.Leu435= (NM_001105207.3, NM_002290.5).
Identifiers: ClinVar variation 44342 (VCV000044342.21), dbSNP rs3752580, ClinGen allele CA134003.